The following is an entry in ClinVar:

NM_000059.4(BRCA2):c.6965T>C (p.Met2322Thr)

Gene: BRCA2 (BRCA2 DNA repair associated; plus strand). Cytogenetic location: 13q13.1.
Variant type: single nucleotide variant.
Coding change: c.6965T>C on transcript NM_000059.4 (MANE Select); coding-DNA position 6965, T replaced by C.
Protein change: p.Met2322Thr; replaces methionine 2322 with threonine.
Molecular consequence: missense variant.
Genome position (GRCh38, 1-based): chr13:32,346,854, T>C. VCF-style: chr13-32346854-T-C. GRCh37 (hg19) VCF-style: chr13-32920991-T-C.
Other names: c.6869T>C, p.Met2290Thr (NM_001406719.1); c.6965T>C, p.Met2322Thr (NM_001406720.1); c.2033T>C, p.Met678Thr (NM_001406721.1); c.548T>C, p.Met183Thr (NM_001406722.1); short protein forms M678T, M2322T, M183T, M2290T.
Identifiers: ClinVar variation 1756344 (VCV001756344.3), dbSNP rs184442109, ClinGen allele CA6941032.
Genomic context (GRCh38, chr13:32,346,854, plus strand): 5'-ACTAATATGTAATATAAAATAATTGTTTCCTAGGCACAATAAAAGATCGAAGATTGTTTA[T>C]GCATCATGTTTCTTTAGAGCCGATTACCTGTGTACCCTTTCGGTAAGACATGTTTAAATT-3'
Protein context (NP_000050.3, residues 2312-2332): DGTIKDRRLF[Met2322Thr]HHVSLEPITC

ClinVar aggregate classification (germline): Uncertain significance (1 of 4 stars; one submission).

Conditions:
Hereditary cancer-predisposing syndrome. Also called: Neoplastic Syndromes, Hereditary; Tumor predisposition; Hereditary Cancer Syndrome; Hereditary neoplastic syndrome. Identifiers: Orphanet 140162, MedGen C0027672, MeSH D009386, MONDO:0015356.

Allele frequency attached by ClinVar (database versions not stated): gnomAD exomes below 0.00001; ExAC 0.00001; gnomAD 0.00001; 1000 Genomes Project 30x 0.00016; 1000 Genomes Project 0.00020.

Submission:

Ambry Genetics
Classification: Uncertain significance for Hereditary cancer-predisposing syndrome. Last evaluated: 2025-10-23. Review status: criteria provided, single submitter. Criteria: Ambry Variant Classification Scheme 2023. Collection method: clinical testing. Allele origin: germline.
Comment: The p.M2322T variant (also known as c.6965T>C), located in coding exon 12 of the BRCA2 gene, results from a T to C substitution at nucleotide position 6965. The methionine at codon 2322 is replaced by threonine, an amino acid with similar properties. This amino acid position is not well conserved in available vertebrate species. In addition, this alteration is predicted to be tolerated by in silico analysis. Since supporting evidence is limited at this time, the clinical significance of this alteration remains unclear.